The following is an entry in ClinVar:

NM_000719.7(CACNA1C):c.788A>T (p.Lys263Met)

Gene: CACNA1C (calcium voltage-gated channel subunit alpha1 C; plus strand). Cytogenetic location: 12p13.33.
Variant type: single nucleotide variant.
Coding change: c.788A>T on transcript NM_000719.7 (MANE Select); coding-DNA position 788, A replaced by T.
Protein change: p.Lys263Met; replaces lysine 263 with methionine.
Molecular consequence: missense variant.
Genome position (GRCh38, 1-based): chr12:2,486,134, A>T. VCF-style: chr12-2486134-A-T. GRCh37 (hg19) VCF-style: chr12-2595300-A-T.
Other names: c.788A>T, p.Lys263Met (NM_001129840.2, NM_001129841.2, NM_001129842.2 and 19 more transcripts); short protein forms K263M.
Identifiers: ClinVar variation 3066281 (VCV003066281.1), dbSNP rs2502982456, ClinGen allele CA383369313.

ClinVar aggregate classification (germline): Likely pathogenic (1 of 4 stars; one submission).

Conditions:
Timothy syndrome (TS). Also called: LONG QT SYNDROME WITH SYNDACTYLY. Identifiers: Orphanet 65283, MedGen C1832916, MeSH C536962, MONDO:0010979, OMIM 601005.

Submission:

MVZ Medizinische Genetik Mainz
Classification: Likely pathogenic for Timothy syndrome. Last evaluated: 2023-05-16. Review status: criteria provided, single submitter. Criteria: UK Practice Guidelines For Variant Classification V4 01 2020. Collection method: clinical testing. Allele origin: germline. Inheritance: Autosomal dominant inheritance. Affected: yes. Observed: 1 variant allele.
Comment: ACMG Criteria: PP3_STR,PM2_SUP,PP2